The following is an entry in ClinVar:

NM_032638.5(GATA2):c.709G>A (p.Gly237Ser)

Gene: GATA2 (GATA binding protein 2; minus strand). Cytogenetic location: 3q21.3.
Variant type: single nucleotide variant.
Coding change: c.709G>A on transcript NM_032638.5 (MANE Select); coding-DNA position 709, G replaced by A.
Protein change: p.Gly237Ser; replaces glycine 237 with serine.
Molecular consequence: missense variant.
Genome position (GRCh38, 1-based): chr3:128,485,889, C>T on the plus strand (G>A on the coding strand, the complement: GATA2 is on the minus strand). VCF-style: chr3-128485889-C-T. GRCh37 (hg19) VCF-style: chr3-128204732-C-T.
Other names: c.709G>A, p.Gly237Ser (NM_001145661.2, NM_001145662.1); short protein forms G237S.
Identifiers: ClinVar variation 1056767 (VCV001056767.7), dbSNP rs2107672104, ClinGen allele CA354406194.

ClinVar aggregate classification (germline): Uncertain significance (1 of 4 stars; one submission).

Conditions:
Deafness-lymphedema-leukemia syndrome. Also called: Emberger syndrome; Lymphedema, primary, with myelodysplasia. Identifiers: Orphanet 3226, MedGen C3279664, MONDO:0013540, OMIM 614038.
Monocytopenia with susceptibility to infections. Also called: MONOCYTOPENIA AND MYCOBACTERIAL INFECTION SYNDROME; MONOCYTOPENIA WITH SUSCEPTIBILITY TO MYCOBACTERIAL, FUNGAL, AND PAPILLOMAVIRUS INFECTIONS AND MYELODYSPLASIA; COMBINED IMMUNODEFICIENCY WITH SUSCEPTIBILITY TO MYCOBACTERIAL, VIRAL, AND FUNGAL INFECTIONS; Dendritic cell, monocyte, B lymphocyte, and natural killer lymphocyte deficiency; IMMUNODEFICIENCY 21; GATA2 DEFICIENCY. Identifiers: Orphanet 228423, MedGen C3280030, MONDO:0013607, OMIM 614172.

Submission:

Labcorp Genetics (formerly Invitae), Labcorp
Classification: Uncertain significance for Monocytopenia with susceptibility to infections; Deafness-lymphedema-leukemia syndrome. Last evaluated: 2021-09-26. Review status: criteria provided, single submitter. Criteria: Invitae Variant Classification Sherloc (09022015). Collection method: clinical testing. Allele origin: germline.
Comment: In summary, the available evidence is currently insufficient to determine the role of this variant in disease. Therefore, it has been classified as a Variant of Uncertain Significance. Algorithms developed to predict the effect of missense changes on protein structure and function output the following: SIFT: "Tolerated"; PolyPhen-2: "Benign"; Align-GVGD: "Class C0". The serine amino acid residue is found in multiple mammalian species, which suggests that this missense change does not adversely affect protein function. This variant has not been reported in the literature in individuals affected with GATA2-related conditions. This variant is not present in population databases (ExAC no frequency). This sequence change replaces glycine with serine at codon 237 of the GATA2 protein (p.Gly237Ser). The glycine residue is moderately conserved and there is a small physicochemical difference between glycine and serine.